The following is an entry in ClinVar:

NM_022455.5(NSD1):c.1810C>T (p.Arg604Ter)

Gene: NSD1 (nuclear receptor binding SET domain protein 1; plus strand). Cytogenetic location: 5q35.3.
Variant type: single nucleotide variant.
Coding change: c.1810C>T on transcript NM_022455.5 (MANE Select); coding-DNA position 1810, C replaced by T.
Protein change: p.Arg604Ter; replaces arginine 604 with a stop codon.
Molecular consequence: nonsense.
Genome position (GRCh38, 1-based): chr5:177,210,209, C>T. VCF-style: chr5-177210209-C-T. GRCh37 (hg19) VCF-style: chr5-176637210-C-T.
Other names: c.937C>T, p.Arg313Ter (NM_001365684.2, NM_001409306.1, NM_001409307.1 and 3 more transcripts); c.1810C>T, p.Arg604Ter (NM_001409301.1, NM_001409302.1, NM_001409303.1); c.1390C>T, p.Arg464Ter (NM_001409304.1); c.1057C>T, p.Arg353Ter (NM_001409305.1); short protein forms R604*, R335*, R353*, R313*, R464*.
Identifiers: ClinVar variation 159271 (VCV000159271.21), dbSNP rs587784076, ClinGen allele CA294806.

ClinVar aggregate classification (germline): Pathogenic. Review status: criteria provided, multiple submitters, no conflicts (2 of 4 stars). 6 submissions from 6 submitters: Pathogenic (6). Last evaluated 2024-12-18.
ClinVar aggregate classification (oncogenicity): Likely oncogenic (1 of 4 stars; one submission).

Conditions:
Sotos syndrome (SOTOS). Also called: Distinctive facial appearance, overgrowth in childhood, and learning disabilities or delayed development; CEREBRAL GIGANTISM; Sotos' syndrome; CHROMOSOME 5q35 DELETION SYNDROME; SOTOS SYNDROME 1. Identifiers: Orphanet 821, MedGen C0175695, MONDO:0019349, OMIM 117550.
Neoplasm. Also called: Neoplasms; Neoplasm (disease); tumor. Identifiers: MedGen C0027651, MeSH D009369, MONDO:0005070, HP:0002664.

Submissions (7):

Center for Genomic Medicine, Rigshospitalet, Copenhagen University Hospital
Classification: Likely oncogenic for Neoplasm. Last evaluated: 2025-12-29. Review status: criteria provided, single submitter. Criteria: ClinGen/CGC/VICC Guidelines for Oncogenicity, 2022. Collection method: clinical testing. Allele origin: somatic. Affected: yes.

Genomic Medicine Center of Excellence, King Faisal Specialist Hospital and Research Centre
Classification: Pathogenic for Sotos syndrome. Last evaluated: 2024-12-18. Review status: criteria provided, single submitter. Criteria: ACMG Guidelines, 2015. Collection method: clinical testing. Allele origin: germline.

Labcorp Genetics (formerly Invitae), Labcorp
Classification: Pathogenic. Last evaluated: 2024-08-06. Review status: criteria provided, single submitter. Criteria: Invitae Variant Classification Sherloc (09022015). Collection method: clinical testing. Allele origin: germline.
Comment: This sequence change creates a premature translational stop signal (p.Arg604*) in the NSD1 gene. It is expected to result in an absent or disrupted protein product. Loss-of-function variants in NSD1 are known to be pathogenic (PMID: 12464997, 14571271, 15942875, 16247291). This variant is not present in population databases (gnomAD no frequency). This premature translational stop signal has been observed in individual(s) with Sotos syndrome (PMID: 12464997, 15942875, 19876911). In at least one individual the variant was observed to be de novo. ClinVar contains an entry for this variant (Variation ID: 159271). For these reasons, this variant has been classified as Pathogenic.

GeneDx
Classification: Pathogenic. Last evaluated: 2023-08-02. Review status: criteria provided, single submitter. Criteria: GeneDx Variant Classification Process June 2021. Collection method: clinical testing. Allele origin: germline. Affected: yes.
Comment: Nonsense variant predicted to result in protein truncation or nonsense mediated decay in a gene for which loss of function is a known mechanism of disease; Published functional studies demonstrate a damaging effect on methylation of histone lysine residues (Berdasco et al., 2009); Not observed at significant frequency in large population cohorts (gnomAD); This variant is associated with the following publications: (PMID: 25525159, 16247291, 12464997, 15942875, 16010675, 19876911, 28475857, 29304373, 32005694, 34033256, 20018718, 22924495)

Eurofins-Biomnis
Classification: Pathogenic for Sotos syndrome. Last evaluated: 2022-11-22. Review status: criteria provided, single submitter. Criteria: Accession Criteria ClinVar Biomnis. Collection method: clinical testing. Allele origin: germline. Affected: yes. Observed: 1 variant allele, 1 heterozygote.

Genome-Nilou Lab
Classification: Pathogenic for Sotos syndrome. Last evaluated: 2021-07-15. Review status: criteria provided, single submitter. Criteria: ACMG Guidelines, 2015. Collection method: clinical testing. Allele origin: germline. Affected: no.

Genetic Services Laboratory, University of Chicago
Classification: Pathogenic for Sotos syndrome 1. Last evaluated: 2013-02-08. Review status: criteria provided, single submitter. Criteria: ACMG Guidelines, 2007. Collection method: clinical testing. Allele origin: germline. Inheritance: Autosomal dominant inheritance. Affected: yes.

Literature cited by the submitters: PubMed 20018718 (cited by Center for Genomic Medicine, Rigshospitalet, Copenhagen University Hospital); PubMed 12464997 (cited by Labcorp Genetics (formerly Invitae), Labcorp); PubMed 14571271 (cited by Labcorp Genetics (formerly Invitae), Labcorp); PubMed 15942875 (cited by Labcorp Genetics (formerly Invitae), Labcorp); PubMed 16247291 (cited by Labcorp Genetics (formerly Invitae), Labcorp); PubMed 19876911 (cited by Labcorp Genetics (formerly Invitae), Labcorp).